The following is an entry in ClinVar:

ClinVar aggregate classification (germline): Conflicting classifications of pathogenicity. Review status: criteria provided, conflicting classifications (1 of 4 stars). 3 submissions from 3 submitters: Uncertain significance (1); Likely benign (1). 1 of the submissions does not count toward it. Last evaluated 2022-10-10.

Conditions:
CREBBP-related disorder. Also called: CREBBP-related disorders; CREBBP-related condition.
Rubinstein-Taybi syndrome (RSTS). Identifiers: Orphanet 783, MedGen C0035934, MONDO:0019188.

Submissions (3):

Labcorp Genetics (formerly Invitae), Labcorp
Classification: Uncertain significance for Rubinstein-Taybi syndrome. Last evaluated: 2022-10-10. Review status: criteria provided, single submitter. Criteria: Invitae Variant Classification Sherloc (09022015). Collection method: clinical testing. Allele origin: germline.
Comment: ClinVar contains an entry for this variant (Variation ID: 624078). Algorithms developed to predict the effect of missense changes on protein structure and function output the following: SIFT: "Deleterious"; PolyPhen-2: "Benign"; Align-GVGD: "Class C15". The valine amino acid residue is found in multiple mammalian species, which suggests that this missense change does not adversely affect protein function. In summary, the available evidence is currently insufficient to determine the role of this variant in disease. Therefore, it has been classified as a Variant of Uncertain Significance. This variant has not been reported in the literature in individuals affected with CREBBP-related conditions. This sequence change replaces methionine, which is neutral and non-polar, with valine, which is neutral and non-polar, at codon 303 of the CREBBP protein (p.Met303Val). This variant is not present in population databases (gnomAD no frequency).

CeGaT Center for Human Genetics Tuebingen
Classification: Likely benign. Last evaluated: 2018-07-01. Review status: criteria provided, single submitter. Criteria: CeGaT Center For Human Genetics Tuebingen Variant Classification Criteria Version 2. Collection method: clinical testing. Allele origin: germline. Affected: yes. Observed: 1 variant allele.

PreventionGenetics, part of Exact Sciences
Classification: Uncertain significance for CREBBP-related condition. Last evaluated: 2024-07-11. Review status: no assertion criteria provided. Collection method: clinical testing. Allele origin: germline. Not counted in ClinVar's aggregate classification.
Comment: The CREBBP c.907A>G variant is predicted to result in the amino acid substitution p.Met303Val. To our knowledge, this variant has not been reported in the literature or in a large population database, indicating this variant is rare. At this time, the clinical significance of this variant is uncertain due to the absence of conclusive functional and genetic evidence.

NM_004380.3(CREBBP):c.907A>G (p.Met303Val)

Gene: CREBBP (CREB binding lysine acetyltransferase; minus strand). Cytogenetic location: 16p13.3.
Variant type: single nucleotide variant.
Coding change: c.907A>G on transcript NM_004380.3 (MANE Select); coding-DNA position 907, A replaced by G.
Protein change: p.Met303Val; replaces methionine 303 with valine.
Molecular consequence: missense variant.
Genome position (GRCh38, 1-based): chr16:3,810,671, T>C on the plus strand (A>G on the coding strand, the complement: CREBBP is on the minus strand). VCF-style: chr16-3810671-T-C. GRCh37 (hg19) VCF-style: chr16-3860672-T-C.
Other names: c.907A>G (NM_004380.2); c.907A>G, p.Met303Val (NM_001079846.1); short protein forms M303V.
Identifiers: ClinVar variation 624078 (VCV000624078.47), dbSNP rs1567331335, ClinGen allele CA394565979.
Genomic context (GRCh38, chr16:3,810,671, plus strand): 5'-GCACGTTGGTGACTGAAGTATTCTTGATATCTGTAGGGAAGGTGGGCAAACTGTTGACCA[T>C]GCTCTGTTTGCTGGCTAACTGGGGGTTCACTCCAGTGGCTCCCATTGGCTGCCCTCCAGC-3'
Protein context (NP_004371.2, residues 293-313): VNPQLASKQS[Met303Val]VNSLPTFPTD